The following is an entry in ClinVar:

NM_001868.4(CPA1):c.1031A>T (p.Tyr344Phe)

Gene: CPA1 (carboxypeptidase A1; plus strand). Cytogenetic location: 7q32.2.
Variant type: single nucleotide variant.
Coding change: c.1031A>T on transcript NM_001868.4 (MANE Select); coding-DNA position 1031, A replaced by T.
Protein change: p.Tyr344Phe; replaces tyrosine 344 with phenylalanine.
Molecular consequence: missense variant.
Genome position (GRCh38, 1-based): chr7:130,385,882, A>T. VCF-style: chr7-130385882-A-T. GRCh37 (hg19) VCF-style: chr7-130025723-A-T.
Other names: short protein forms Y344F.
Identifiers: ClinVar variation 4233101 (VCV004233101.1).

ClinVar aggregate classification (germline): Uncertain significance (1 of 4 stars; one submission).

Conditions:
Hereditary pancreatitis (PCTT). Also called: Hereditary chronic pancreatitis; PRSS1-Related Hereditary Pancreatitis. Identifiers: Orphanet 676, MedGen C0238339, MONDO:0008185, OMIM 167800.

Submission:

Ambry Genetics
Classification: Uncertain significance for Hereditary pancreatitis. Last evaluated: 2025-08-22. Review status: criteria provided, single submitter. Criteria: Ambry Variant Classification Scheme 2023. Collection method: clinical testing. Allele origin: germline.
Comment: The p.Y344F variant (also known as c.1031A>T), located in coding exon 9 of the CPA1 gene, results from an A to T substitution at nucleotide position 1031. The tyrosine at codon 344 is replaced by phenylalanine, an amino acid with highly similar properties. This amino acid position is conserved. In addition, this alteration is predicted to be tolerated by in silico analysis. Based on the available evidence, the clinical significance of this variant remains unclear.